The following is an entry in ClinVar:

ClinVar aggregate classification (germline): Uncertain significance. Review status: criteria provided, multiple submitters, no conflicts (2 of 4 stars). 2 submissions from 2 submitters: Uncertain significance (2). Last evaluated 2026-03-05.

Conditions:
KIDINS220-related disorder. Also called: KIDINS220-related condition.

Allele frequency attached by ClinVar (database versions not stated): gnomAD exomes below 0.00001 and 0.00002; ExAC 0.00001; gnomAD 0.00002.
gnomAD v4.1: 8 of 1,593,806 alleles (0.0005%); highest among the groups gnomAD compares: Admixed American, 0.0088%; no homozygotes.

Submissions (2):

PreventionGenetics, part of Exact Sciences
Classification: Uncertain significance for KIDINS220-related condition. Last evaluated: 2026-03-05. Review status: criteria provided, single submitter. Criteria: ACMG Guidelines, 2015. Collection method: clinical testing. Allele origin: germline.
Comment: The KIDINS220 c.3029C>G variant is predicted to result in the amino acid substitution p.Pro1010Arg. To our knowledge, this variant has not been reported in the literature. This variant is reported in 0.0063% of alleles in individuals of Latino descent in gnomAD. At this time, the clinical significance of this variant is uncertain due to the absence of conclusive functional and genetic evidence.

Labcorp Genetics (formerly Invitae), Labcorp
Classification: Uncertain significance. Last evaluated: 2021-07-12. Review status: criteria provided, single submitter. Criteria: Invitae Variant Classification Sherloc (09022015). Collection method: clinical testing. Allele origin: germline.
Comment: This variant has not been reported in the literature in individuals affected with KIDINS220-related conditions. This variant is present in population databases (rs769789455, ExAC 0.009%). This sequence change replaces proline with arginine at codon 1010 of the KIDINS220 protein (p.Pro1010Arg). The proline residue is highly conserved and there is a moderate physicochemical difference between proline and arginine. In summary, the available evidence is currently insufficient to determine the role of this variant in disease. Therefore, it has been classified as a Variant of Uncertain Significance. Algorithms developed to predict the effect of missense changes on protein structure and function (SIFT, PolyPhen-2, Align-GVGD) all suggest that this variant is likely to be disruptive.

NM_020738.4(KIDINS220):c.3029C>G (p.Pro1010Arg)

Gene: KIDINS220 (kinase D interacting substrate 220; minus strand). Cytogenetic location: 2p25.1.
Variant type: single nucleotide variant.
Coding change: c.3029C>G on transcript NM_020738.4 (MANE Select); coding-DNA position 3029, C replaced by G.
Protein change: p.Pro1010Arg; replaces proline 1010 with arginine.
Molecular consequence: missense variant. On other transcripts: non-coding transcript variant (2).
Genome position (GRCh38, 1-based): chr2:8,751,627, G>C on the plus strand (C>G on the coding strand, the complement: KIDINS220 is on the minus strand). VCF-style: chr2-8751627-G-C. GRCh37 (hg19) VCF-style: chr2-8891757-G-C.
Other names: c.3032C>G, p.Pro1011Arg (NM_001348729.2, NM_001348731.2, NM_001348734.2 and 2 more transcripts); c.3029C>G, p.Pro1010Arg (NM_001348732.2, NM_001348735.2, NM_001348738.2 and 3 more transcripts); c.2903C>G, p.Pro968Arg (NM_001348736.2); c.3029C>G (NM_020738.2); short protein forms P968R, P1010R, P1011R.
Identifiers: ClinVar variation 1364525 (VCV001364525.9), dbSNP rs769789455, ClinGen allele CA1519783.